The following is an entry in ClinVar:

ClinVar aggregate classification (germline): Uncertain significance. Review status: criteria provided, multiple submitters, no conflicts (2 of 4 stars). 2 submissions from 2 submitters: Uncertain significance (2). Last evaluated 2025-08-03.

Conditions:
ASIC5-related disorder. Also called: ASIC5-related condition.

gnomAD v4.1: 80 of 1,602,408 alleles (0.005%); highest among the groups gnomAD compares: Admixed American, 0.03%; no homozygotes.

Submissions (2):

Ambry Genetics
Classification: Uncertain significance. Last evaluated: 2025-08-03. Review status: criteria provided, single submitter. Criteria: Ambry Variant Classification Scheme 2023. Collection method: clinical testing. Allele origin: germline.

PreventionGenetics, part of Exact Sciences
Classification: Uncertain significance for ASIC5-related condition. Last evaluated: 2025-03-19. Review status: criteria provided, single submitter. Criteria: ACMG Guidelines, 2015. Collection method: clinical testing. Allele origin: germline.
Comment: The ASIC5 c.1148C>T variant is predicted to result in the amino acid substitution p.Pro383Leu. To our knowledge, this variant has not been reported in the literature. This variant is reported in 0.045% of alleles in individuals of Latino descent in gnomAD. At this time, the clinical significance of this variant is uncertain due to the absence of conclusive functional and genetic evidence.

NM_017419.3(ASIC5):c.1148C>T (p.Pro383Leu)

Gene: ASIC5 (acid sensing ion channel subunit family member 5; minus strand). Cytogenetic location: 4q32.1.
Variant type: single nucleotide variant.
Coding change: c.1148C>T on transcript NM_017419.3 (MANE Select); coding-DNA position 1148, C replaced by T.
Protein change: p.Pro383Leu; replaces proline 383 with leucine.
Molecular consequence: missense variant.
Genome position (GRCh38, 1-based): chr4:155,836,776, G>A on the plus strand (C>T on the coding strand, the complement: ASIC5 is on the minus strand). VCF-style: chr4-155836776-G-A. GRCh37 (hg19) VCF-style: chr4-156757928-G-A.
Other names: short protein forms P383L.
Identifiers: ClinVar variation 4154875 (VCV004154875.2).
Genomic context (GRCh38, chr4:155,836,776, plus strand): 5'-TTCTTGGAAAGATATTTCAAAGCTTTTTGACTTGGAAAAGAGGAATAAGAAATAGTGGCC[G>A]GGTATTCTATTTCTTCACAAGAAACGGGGCAGCTAGAGTTATGTGTTCCTACTGTACATA-3'
Protein context (NP_059115.1, residues 373-393): CPVSCEEIEY[Pro383Leu]ATISYSSFPS